The following is an entry in ClinVar:

ClinVar aggregate classification (germline): Uncertain significance (1 of 4 stars; one submission).

Allele frequency attached by ClinVar (database versions not stated): gnomAD exomes 0.00001; ExAC 0.00008; ESP Exome Variant Server 0.00017; TOPMed 0.00031; gnomAD 0.00034.
gnomAD v4.1: 68 of 1,570,942 alleles (0.0043%); highest among the groups gnomAD compares: African/African-American, 0.078%; no homozygotes.

Submission:

Labcorp Genetics (formerly Invitae), Labcorp
Classification: Uncertain significance. Last evaluated: 2022-05-27. Review status: criteria provided, single submitter. Criteria: Invitae Variant Classification Sherloc (09022015). Collection method: clinical testing. Allele origin: germline.
Comment: In summary, the available evidence is currently insufficient to determine the role of this variant in disease. Therefore, it has been classified as a Variant of Uncertain Significance. Algorithms developed to predict the effect of missense changes on protein structure and function are either unavailable or do not agree on the potential impact of this missense change (SIFT: "Deleterious"; PolyPhen-2: "Benign"; Align-GVGD: "Class C0"). This variant has not been reported in the literature in individuals affected with USP53-related conditions. This variant is present in population databases (rs370691675, gnomAD 0.08%). This sequence change replaces glutamine, which is neutral and polar, with leucine, which is neutral and non-polar, at codon 489 of the USP53 protein (p.Gln489Leu).

NM_001371395.1(USP53):c.1466A>T (p.Gln489Leu)

Gene: USP53 (ubiquitin specific peptidase 53; plus strand). Cytogenetic location: 4q26.
Variant type: single nucleotide variant.
Coding change: c.1466A>T on transcript NM_001371395.1 (MANE Select); coding-DNA position 1466, A replaced by T.
Protein change: p.Gln489Leu; replaces glutamine 489 with leucine.
Molecular consequence: missense variant.
Genome position (GRCh38, 1-based): chr4:119,271,326, A>T. VCF-style: chr4-119271326-A-T. GRCh37 (hg19) VCF-style: chr4-120192481-A-T.
Other names: c.1313A>T, p.Gln438Leu (NM_001371396.1, NM_001389661.1); c.1466A>T, p.Gln489Leu (NM_001371397.1, NM_001371398.1, NM_001371399.1 and 3 more transcripts); c.1316A>T, p.Gln439Leu (NM_001389660.1); c.1118A>T, p.Gln373Leu (NM_001389662.1, NM_001389663.1, NM_001389664.1 and 1 more transcripts); c.965A>T, p.Gln322Leu (NM_001389665.1, NM_001389667.1); short protein forms Q438L, Q439L, Q373L, Q489L, Q322L.
Identifiers: ClinVar variation 2069011 (VCV002069011.4), dbSNP rs370691675, ClinGen allele CA3059174.